The following is an entry in ClinVar:

ClinVar aggregate classification (germline): Likely benign (1 of 4 stars; one submission).

Allele frequency attached by ClinVar (database versions not stated): gnomAD 0.00002 and 0.00001; TOPMed 0.00005; gnomAD exomes 0.00003.
gnomAD v4.1: 13 of 462,828 alleles (0.0028%); highest among the groups gnomAD compares: Non-Finnish European, 0.0039%; no homozygotes.

Submission:

GeneDx
Classification: Likely benign. Last evaluated: 2017-12-28. Review status: criteria provided, single submitter. Criteria: GeneDx Variant Classification (06012015). Collection method: clinical testing. Allele origin: germline. Affected: yes.
Comment: This variant is considered likely benign or benign based on one or more of the following criteria: it is a conservative change, it occurs at a poorly conserved position in the protein, it is predicted to be benign by multiple in silico algorithms, and/or has population frequency not consistent with disease.

NM_007194.4(CHEK2):c.-17G>A

Gene: CHEK2 (checkpoint kinase 2; minus strand). Cytogenetic location: 22q12.1.
Variant type: single nucleotide variant.
Coding change: c.-17G>A on transcript NM_007194.4 (MANE Select); 17 bases upstream of the start codon, G replaced by A.
Molecular consequence: 5 prime UTR variant.
Genome position (GRCh38, 1-based): chr22:28,741,779, C>T on the plus strand (G>A on the coding strand, the complement: CHEK2 is on the minus strand). VCF-style: chr22-28741779-C-T. GRCh37 (hg19) VCF-style: chr22-29137767-C-T.
Other names: c.-17G>A (NM_001005735.3, NM_001349956.3, NM_145862.3); c.-794G>A (NM_001257387.3).
Identifiers: ClinVar variation 377655 (VCV000377655.1), dbSNP rs887273410, ClinGen allele CA16609094.